The following is an entry in ClinVar:

NM_016335.6(PRODH):c.649C>T (p.Arg217Cys)

Gene: PRODH (proline dehydrogenase 1; minus strand). Cytogenetic location: 22q11.21.
Variant type: single nucleotide variant.
Coding change: c.649C>T on transcript NM_016335.6 (MANE Select); coding-DNA position 649, C replaced by T.
Protein change: p.Arg217Cys; replaces arginine 217 with cysteine.
Molecular consequence: missense variant.
Genome position (GRCh38, 1-based): chr22:18,925,069, G>A on the plus strand (C>T on the coding strand, the complement: PRODH is on the minus strand). VCF-style: chr22-18925069-G-A. GRCh37 (hg19) VCF-style: chr22-18912582-G-A.
Other names: c.325C>T, p.Arg109Cys (NM_001195226.2, NM_001368250.2); short protein forms R109C, R217C.
Identifiers: ClinVar variation 2143144 (VCV002143144.3), dbSNP rs147270439, ClinGen allele CA10095325.

ClinVar aggregate classification (germline): Uncertain significance. Review status: criteria provided, multiple submitters, no conflicts (2 of 4 stars). 2 submissions from 2 submitters: Uncertain significance (2). Last evaluated 2024-10-25.

Conditions:
Proline dehydrogenase deficiency (HYRPRO1). Also called: PROLINE OXIDASE DEFICIENCY; Hyperprolinemia type 1. Identifiers: Orphanet 419, MedGen C0268529, MONDO:0009400, OMIM 239500.

Submissions (2):

Labcorp Genetics (formerly Invitae), Labcorp
Classification: Uncertain significance for Proline dehydrogenase deficiency. Last evaluated: 2024-10-25. Review status: criteria provided, single submitter. Criteria: Invitae Variant Classification Sherloc (09022015). Collection method: clinical testing. Allele origin: germline.
Comment: This sequence change replaces arginine, which is basic and polar, with cysteine, which is neutral and slightly polar, at codon 217 of the PRODH protein (p.Arg217Cys). This variant is present in population databases (rs147270439, gnomAD 0.01%). This variant has not been reported in the literature in individuals affected with PRODH-related conditions. ClinVar contains an entry for this variant (Variation ID: 2143144). Invitae Evidence Modeling of protein sequence and biophysical properties (such as structural, functional, and spatial information, amino acid conservation, physicochemical variation, residue mobility, and thermodynamic stability) indicates that this missense variant is expected to disrupt PRODH protein function with a positive predictive value of 80%. In summary, the available evidence is currently insufficient to determine the role of this variant in disease. Therefore, it has been classified as a Variant of Uncertain Significance.

Blueprint Genetics
Classification: Uncertain significance. Last evaluated: 2022-06-27. Review status: criteria provided, single submitter. Criteria: ACMG Guidelines, 2015. Collection method: clinical testing. Allele origin: germline.